The following is an entry in ClinVar:

ClinVar aggregate classification (germline): Conflicting classifications of pathogenicity. Review status: criteria provided, conflicting classifications (1 of 4 stars). 7 submissions from 7 submitters: Uncertain significance (2); Likely benign (4). 1 of the submissions does not count toward it. Last evaluated 2025-12-16.

Conditions:
ABCG8-related disorder. Also called: ABCG8-related condition.
Sitosterolemia 1. Identifiers: MedGen C2749759, MONDO:0020747, OMIM 210250.
Cardiovascular phenotype. Identifiers: MedGen CN230736.

Allele frequency attached by ClinVar (database versions not stated): gnomAD 0.00015; 1000 Genomes Project 30x 0.00016; 1000 Genomes Project 0.00020; gnomAD exomes 0.00025 and 0.00012; ExAC 0.00013; TOPMed 0.00014; ESP Exome Variant Server 0.00015.
gnomAD v4.1: 388 of 1,614,254 alleles (0.024%); highest among the groups gnomAD compares: Non-Finnish European, 0.031%; no homozygotes.

Submissions (7):

Labcorp Genetics (formerly Invitae), Labcorp
Classification: Likely benign. Last evaluated: 2025-12-16. Review status: criteria provided, single submitter. Criteria: Invitae Variant Classification Sherloc (09022015). Collection method: clinical testing. Allele origin: germline.

Mayo Clinic Laboratories, Mayo Clinic
Classification: Likely benign. Last evaluated: 2025-02-19. Review status: criteria provided, single submitter. Criteria: ACMG Guidelines, 2015. Collection method: clinical testing. Allele origin: germline. Observed: 2 variant alleles.
Comment: BP4, BP7, PM2_supporting

Blueprint Genetics
Classification: Likely benign. Last evaluated: 2024-11-18. Review status: criteria provided, single submitter. Criteria: ACMG Guidelines, 2015. Collection method: clinical testing. Allele origin: germline.

Ambry Genetics
Classification: Likely benign for Cardiovascular phenotype. Last evaluated: 2022-08-08. Review status: criteria provided, single submitter. Criteria: Ambry Variant Classification Scheme 2023. Collection method: clinical testing. Allele origin: germline.

Illumina Laboratory Services, Illumina
Classification: Uncertain significance for Sitosterolemia 1. Last evaluated: 2018-01-12. Review status: criteria provided, single submitter. Criteria: ICSL Variant Classification Criteria 13 December 2019. Collection method: clinical testing. Allele origin: germline.

Eurofins Ntd Llc (ga)
Classification: Uncertain significance. Last evaluated: 2017-10-09. Review status: criteria provided, single submitter. Criteria: EGL Classification Definitions 2015. Collection method: clinical testing. Allele origin: germline. Observed: 1 variant allele, 1 heterozygote.

PreventionGenetics, part of Exact Sciences
Classification: Likely benign for ABCG8-related condition. Last evaluated: 2019-10-08. Review status: no assertion criteria provided. Collection method: clinical testing. Allele origin: germline. Not counted in ClinVar's aggregate classification.
Comment: This variant is classified as likely benign based on ACMG/AMP sequence variant interpretation guidelines (Richards et al. 2015 PMID: 25741868, with internal and published modifications).

NM_022437.3(ABCG8):c.342G>A (p.Leu114=)

Gene: ABCG8 (ATP binding cassette subfamily G member 8; plus strand). Cytogenetic location: 2p21.
Variant type: single nucleotide variant.
Coding change: c.342G>A on transcript NM_022437.3 (MANE Select); coding-DNA position 342, G replaced by A.
Protein change: p.Leu114=; no amino-acid change (leucine 114 retained).
Molecular consequence: synonymous variant.
Genome position (GRCh38, 1-based): chr2:43,851,603, G>A. VCF-style: chr2-43851603-G-A. GRCh37 (hg19) VCF-style: chr2-44078742-G-A.
Other names: p.Leu114=; c.342G>A, p.Leu114= (NM_001357321.2).
Identifiers: ClinVar variation 336068 (VCV000336068.22), dbSNP rs150970273, ClinGen allele CA1636990.